The following is an entry in ClinVar:

NM_001267550.2(TTN):c.51436+1G>T

Genes: TTN (titin; minus strand), TTN-AS1 (TTN antisense RNA 1; plus strand). Cytogenetic location: 2q31.2.
Variant type: single nucleotide variant.
Coding change: c.51436+1G>T on transcript NM_001267550.2 (MANE Select); the canonical splice donor site of the intron after coding-DNA position 51436, G replaced by T.
Molecular consequence: splice donor variant.
Genome position (GRCh38, 1-based): chr2:178,610,089, C>A on the plus strand (G>T on the coding strand, the complement: TTN is on the minus strand). VCF-style: chr2-178610089-C-A. GRCh37 (hg19) VCF-style: chr2-179474816-C-A.
Other names: c.24241+1G>T (NM_003319.4); c.24817+1G>T (NM_133437.4); c.24616+1G>T (NM_133432.3); c.43732+1G>T (NM_133378.4); c.46513+1G>T (NM_001256850.1).
Identifiers: ClinVar variation 655710 (VCV000655710.9), dbSNP rs761807131, ClinGen allele CA349585825.

ClinVar aggregate classification (germline): Pathogenic (1 of 4 stars; one submission).

Conditions:
Dilated cardiomyopathy 1G (CMD1G). Identifiers: Orphanet 154, MedGen C1858763, MONDO:0011400, OMIM 604145.
Autosomal recessive limb-girdle muscular dystrophy type 2J (LGMDR10). Also called: Limb-girdle muscular dystrophy, type 2J; MUSCULAR DYSTROPHY, LIMB-GIRDLE, AUTOSOMAL RECESSIVE 10. Identifiers: Orphanet 140922, MedGen C1837342, MONDO:0012127, OMIM 608807.

Submission:

Labcorp Genetics (formerly Invitae), Labcorp
Classification: Pathogenic for Dilated cardiomyopathy 1G; Autosomal recessive limb-girdle muscular dystrophy type 2J. Last evaluated: 2022-11-15. Review status: criteria provided, single submitter. Criteria: Invitae Variant Classification Sherloc (09022015). Collection method: clinical testing. Allele origin: germline.
Comment: For these reasons, this variant has been classified as Pathogenic. This variant is located in the A band of TTN (PMID: 25589632). Truncating variants in this region are significantly overrepresented in patients affected with dilated cardiomyopathy (PMID: 25589632). Truncating variants in this region have also been reported in individuals affected with autosomal recessive centronuclear myopathy (PMID: 23975875). Algorithms developed to predict the effect of sequence changes on RNA splicing suggest that this variant may disrupt the consensus splice site. ClinVar contains an entry for this variant (Variation ID: 655710). Disruption of this splice site has been observed in individuals with dilated cardiomyopathy (PMID: 29253866; Invitae). This variant is not present in population databases (gnomAD no frequency). This sequence change affects a donor splice site in intron 271 of the TTN gene. It is expected to disrupt RNA splicing and likely results in a truncated or disrupted TTN protein.

Literature cited by the submitters: PubMed 25589632; PubMed 23975875; PubMed 29253866.